The following is an entry in ClinVar:

ClinVar aggregate classification (germline): Uncertain significance. Review status: criteria provided, multiple submitters, no conflicts (2 of 4 stars). 2 submissions from 2 submitters: Uncertain significance (2). Last evaluated 2025-12-16.

Conditions:
DICER1-related tumor predisposition. Also called: DICER1-related pleuropulmonary blastoma cancer predisposition syndrome; DICER1 syndrome. Identifiers: Orphanet 284343, MedGen C3839822, MONDO:0100216.
Hereditary cancer-predisposing syndrome. Also called: Neoplastic Syndromes, Hereditary; Tumor predisposition; Hereditary Cancer Syndrome; Hereditary neoplastic syndrome. Identifiers: Orphanet 140162, MedGen C0027672, MeSH D009386, MONDO:0015356.

Submissions (2):

Ambry Genetics
Classification: Uncertain significance for Hereditary cancer-predisposing syndrome. Last evaluated: 2025-12-16. Review status: criteria provided, single submitter. Criteria: Ambry Variant Classification Scheme 2023. Collection method: clinical testing. Allele origin: germline.
Comment: The p.E391D variant (also known as c.1173G>T), located in coding exon 7 of the DICER1 gene, results from a G to T substitution at nucleotide position 1173. The glutamic acid at codon 391 is replaced by aspartic acid, an amino acid with highly similar properties. This amino acid position is highly conserved in available vertebrate species. In addition, this alteration is predicted to be tolerated by in silico analysis. Based on the available evidence, the clinical significance of this variant remains unclear.

Labcorp Genetics (formerly Invitae), Labcorp
Classification: Uncertain significance for DICER1-related tumor predisposition. Last evaluated: 2022-12-14. Review status: criteria provided, single submitter. Criteria: Invitae Variant Classification Sherloc (09022015). Collection method: clinical testing. Allele origin: germline.
Comment: Advanced modeling of protein sequence and biophysical properties (such as structural, functional, and spatial information, amino acid conservation, physicochemical variation, residue mobility, and thermodynamic stability) performed at Invitae indicates that this missense variant is not expected to disrupt DICER1 protein function. This variant has not been reported in the literature in individuals affected with DICER1-related conditions. In summary, the available evidence is currently insufficient to determine the role of this variant in disease. Therefore, it has been classified as a Variant of Uncertain Significance. This sequence change replaces glutamic acid, which is acidic and polar, with aspartic acid, which is acidic and polar, at codon 391 of the DICER1 protein (p.Glu391Asp). This variant is present in population databases (no rsID available, gnomAD 0.0009%).

NM_177438.3(DICER1):c.1173G>T (p.Glu391Asp)

Gene: DICER1 (dicer 1, ribonuclease III; minus strand). Cytogenetic location: 14q32.13.
Variant type: single nucleotide variant.
Coding change: c.1173G>T on transcript NM_177438.3 (MANE Select); coding-DNA position 1173, G replaced by T.
Protein change: p.Glu391Asp; replaces glutamic acid 391 with aspartic acid.
Molecular consequence: missense variant. On other transcripts: 5 prime UTR variant (1), non-coding transcript variant (6).
Genome position (GRCh38, 1-based): chr14:95,124,399, C>A on the plus strand (G>T on the coding strand, the complement: DICER1 is on the minus strand). VCF-style: chr14-95124399-C-A. GRCh37 (hg19) VCF-style: chr14-95590736-C-A.
Other names: c.606G>T, p.Glu202Asp (NM_001395691.1); c.1173G>T, p.Glu391Asp (NM_001395692.1, NM_001395693.1, NM_001395694.1 and 15 more transcripts); c.768G>T, p.Glu256Asp (NM_001395696.1, NM_001395698.1, NM_001395687.1 and 3 more transcripts); c.-396G>T (NM_001395697.1); c.891G>T, p.Glu297Asp (NM_001395686.1); short protein forms E256D, E391D, E202D, E297D.
Identifiers: ClinVar variation 3014593 (VCV003014593.4), dbSNP rs1269365429, ClinGen allele CA390886801.